The following is an entry in ClinVar:

ClinVar aggregate classification (germline): Uncertain significance (1 of 4 stars; one submission).

gnomAD v4.1: 1 of 1,588,468 alleles (0.000063%); highest among the groups gnomAD compares: Non-Finnish European, 0.000086%; no homozygotes.

Submission:

Ambry Genetics
Classification: Uncertain significance. Last evaluated: 2025-01-13. Review status: criteria provided, single submitter. Criteria: Ambry Variant Classification Scheme 2023. Collection method: clinical testing. Allele origin: germline.
Comment: The p.G1927V variant (also known as c.5780G>T), located in coding exon 23 of the WNK2 gene, results from a G to T substitution at nucleotide position 5780. The glycine at codon 1927 is replaced by valine, an amino acid with dissimilar properties. This amino acid position is conserved. In addition, this alteration is predicted to be deleterious by in silico analysis. Based on the available evidence, the clinical significance of this variant remains unclear.

NM_006648.4(WNK2):c.5780G>T (p.Gly1927Val)

Gene: WNK2 (WNK lysine deficient protein kinase 2; plus strand). Cytogenetic location: 9q22.31.
Variant type: single nucleotide variant.
Coding change: c.5780G>T on transcript NM_006648.4 (MANE Select); coding-DNA position 5780, G replaced by T.
Protein change: p.Gly1927Val; replaces glycine 1927 with valine.
Molecular consequence: missense variant.
Genome position (GRCh38, 1-based): chr9:93,297,924, G>T. VCF-style: chr9-93297924-G-T. GRCh37 (hg19) VCF-style: chr9-96060206-G-T.
Other names: c.5891G>T, p.Gly1964Val (NM_001282394.3); short protein forms G1927V, G1964V.
Identifiers: ClinVar variation 3816830 (VCV003816830.1).